The following is an entry in ClinVar:

ClinVar aggregate classification (germline): Uncertain significance (1 of 4 stars; one submission).

Submission:

GeneDx
Classification: Uncertain significance. Last evaluated: 2023-04-04. Review status: criteria provided, single submitter. Criteria: GeneDx Variant Classification Process June 2021. Collection method: clinical testing. Allele origin: germline. Affected: yes.
Comment: Not observed at significant frequency in large population cohorts (gnomAD); In silico analysis supports that this missense variant does not alter protein structure/function; Has not been previously published as pathogenic or benign to our knowledge

NM_001042681.2(RERE):c.762T>G (p.Phe254Leu)

Gene: RERE (arginine-glutamic acid dipeptide repeats; minus strand). Cytogenetic location: 1p36.23.
Variant type: single nucleotide variant.
Coding change: c.762T>G on transcript NM_001042681.2 (MANE Select); coding-DNA position 762, T replaced by G.
Protein change: p.Phe254Leu; replaces phenylalanine 254 with leucine.
Molecular consequence: missense variant.
Genome position (GRCh38, 1-based): chr1:8,541,282, A>C on the plus strand (T>G on the coding strand, the complement: RERE is on the minus strand). VCF-style: chr1-8541282-A-C. GRCh37 (hg19) VCF-style: chr1-8601341-A-C.
Other names: c.762T>G, p.Phe254Leu (NM_012102.4); short protein forms F254L.
Identifiers: ClinVar variation 2662980 (VCV002662980.1), dbSNP rs2522088604, ClinGen allele CA338223630.